The following is an entry in ClinVar:

NM_031407.7(HUWE1):c.9937G>A (p.Glu3313Lys)

Gene: HUWE1 (HECT, UBA and WWE domain containing E3 ubiquitin protein ligase 1; minus strand). Cytogenetic location: Xp11.22.
Variant type: single nucleotide variant.
Coding change: c.9937G>A on transcript NM_031407.7 (MANE Select); coding-DNA position 9937, G replaced by A.
Protein change: p.Glu3313Lys; replaces glutamic acid 3313 with lysine.
Molecular consequence: missense variant.
Genome position (GRCh38, 1-based): chrX:53,549,057, C>T on the plus strand (G>A on the coding strand, the complement: HUWE1 is on the minus strand). VCF-style: chrX-53549057-C-T. GRCh37 (hg19) VCF-style: chrX-53576018-C-T.
Other names: short protein forms E3313K.
Identifiers: ClinVar variation 3362141 (VCV003362141.2).

ClinVar aggregate classification (germline): Uncertain significance (1 of 4 stars; one submission).

gnomAD v4.1: 1 of 1,211,121 alleles (0.000083%); highest among the groups gnomAD compares: Non-Finnish European, 0.00011%; no homozygotes.

Submission:

GeneDx
Classification: Uncertain significance. Last evaluated: 2026-10-09. Review status: criteria provided, single submitter. Criteria: GeneDx Variant Classification Process June 2021. Collection method: clinical testing. Allele origin: germline.
Comment: Not observed at significant frequency in large population cohorts (gnomAD); In silico analysis suggests that this missense variant does not alter protein structure/function; Has not been previously published as pathogenic or benign to our knowledge